The following is an entry in ClinVar:

ClinVar aggregate classification (germline): Likely pathogenic (1 of 4 stars; one submission).

Conditions:
Severe early-childhood-onset retinal dystrophy (STGD1). Also called: Stargardt macular dystrophy; Juvenile onset macular degeneration; Stargardt disease 1; MACULAR DYSTROPHY WITH FLECKS, TYPE 1; STGD. Identifiers: Orphanet 364055, Orphanet 827, MedGen C1855465, MeSH D000080362, MONDO:0009549, OMIM 248200.

Submission:

SingHealth Duke-NUS Institute of Precision Medicine
Classification: Likely pathogenic for Severe early-childhood-onset retinal dystrophy. Last evaluated: 2025-02-05. Review status: criteria provided, single submitter. Criteria: PRISM ACMG Classification Criteria. Collection method: clinical testing. Allele origin: germline. Affected: yes.
Comment: REVEL score is 0.981 (PP3_str). Variant is located in a mutational hotspot where >50% variants are classified as pathogenic (PM1). Variant is not found in gnomAD exomes and genomes (PM2)

NM_000350.3(ABCA4):c.1712T>G (p.Ile571Ser)

Gene: ABCA4 (ATP binding cassette subfamily A member 4; minus strand). Cytogenetic location: 1p22.1.
Variant type: single nucleotide variant.
Coding change: c.1712T>G on transcript NM_000350.3 (MANE Select); coding-DNA position 1712, T replaced by G.
Protein change: p.Ile571Ser; replaces isoleucine 571 with serine.
Molecular consequence: missense variant.
Genome position (GRCh38, 1-based): chr1:94,063,160, A>C on the plus strand (T>G on the coding strand, the complement: ABCA4 is on the minus strand). VCF-style: chr1-94063160-A-C. GRCh37 (hg19) VCF-style: chr1-94528716-A-C.
Other names: c.1712T>G, p.Ile571Ser (NM_001425324.1); short protein forms I571S.
Identifiers: ClinVar variation 3767359 (VCV003767359.1).